The following is an entry in ClinVar:

ClinVar aggregate classification (germline): Uncertain significance (1 of 4 stars; one submission).

Conditions:
Long QT syndrome (LQTS). Identifiers: MedGen C0023976, MeSH D008133, MONDO:0002442. Disease mechanism: loss of function. Inheritance: Various modes of inheritance.

Allele frequency attached by ClinVar (database versions not stated): gnomAD exomes below 0.00001; ExAC 0.00001.

Submission:

Labcorp Genetics (formerly Invitae), Labcorp
Classification: Uncertain significance for Long QT syndrome. Last evaluated: 2016-11-02. Review status: criteria provided, single submitter. Criteria: Invitae Variant Classification Sherloc (09022015). Collection method: clinical testing. Allele origin: germline.
Comment: In summary, this variant is a rare missense change that is not predicted to affect protein function. There is no indication that it causes disease, but the available evidence is currently insufficient to prove that conclusively. Therefore, it has been classified as a Variant of Uncertain Significance. Algorithms developed to predict the effect of missense changes on protein structure and function (SIFT, PolyPhen-2, Align-GVGD) all suggest that this variant is likely to be tolerated, but these predictions have not been confirmed by published functional studies. This variant is present in population databases (rs768741443, ExAC 0.002%) but has not been reported in the literature in individuals with a ANK2-related disease. This sequence change replaces lysine with glutamic acid at codon 3037 of the ANK2 protein (p.Lys3037Glu). The lysine residue is moderately conserved and there is a small physicochemical difference between lysine and glutamic acid.

NM_001148.6(ANK2):c.9109A>G (p.Lys3037Glu)

Gene: ANK2 (ankyrin 2; plus strand). Cytogenetic location: 4q26.
Variant type: single nucleotide variant.
Coding change: c.9109A>G on transcript NM_001148.6 (MANE Select); coding-DNA position 9109, A replaced by G.
Protein change: p.Lys3037Glu; replaces lysine 3037 with glutamic acid.
Molecular consequence: missense variant. On other transcripts: intron variant (68).
Genome position (GRCh38, 1-based): chr4:113,357,727, A>G. VCF-style: chr4-113357727-A-G. GRCh37 (hg19) VCF-style: chr4-114278883-A-G.
Other names: c.8875A>G, p.Lys2959Glu (NM_001386142.1); c.5509A>G, p.Lys1837Glu (NM_001386166.1); c.9250A>G, p.Lys3084Glu (NM_001386174.1); c.9226A>G, p.Lys3076Glu (NM_001386175.1); c.4412-3096A>G (NM_001386186.2, NM_001386148.2); c.4214-3096A>G (NM_001354269.3); c.4292-3096A>G (NM_001386187.2); c.4253-3096A>G (NM_001386147.1); and 35 more; short protein forms K3037E, K1837E, K2959E, K3076E, K3084E.
Identifiers: ClinVar variation 406496 (VCV000406496.5), dbSNP rs768741443, ClinGen allele CA3051872.